The following is an entry in ClinVar:

ClinVar aggregate classification (germline): Uncertain significance (1 of 4 stars; one submission).

Submission:

Labcorp Genetics (formerly Invitae), Labcorp
Classification: Uncertain significance. Last evaluated: 2022-07-12. Review status: criteria provided, single submitter. Criteria: Invitae Variant Classification Sherloc (09022015). Collection method: clinical testing. Allele origin: germline.
Comment: This variant has not been reported in the literature in individuals affected with FAT4-related conditions. This sequence change replaces threonine, which is neutral and polar, with serine, which is neutral and polar, at codon 2278 of the FAT4 protein (p.Thr2278Ser). This variant is not present in population databases (gnomAD no frequency). ClinVar contains an entry for this variant (Variation ID: 1349376). Advanced modeling of protein sequence and biophysical properties (such as structural, functional, and spatial information, amino acid conservation, physicochemical variation, residue mobility, and thermodynamic stability) performed at Invitae indicates that this missense variant is not expected to disrupt FAT4 protein function. In summary, the available evidence is currently insufficient to determine the role of this variant in disease. Therefore, it has been classified as a Variant of Uncertain Significance.

NM_001291303.3(FAT4):c.6832A>T (p.Thr2278Ser)

Gene: FAT4 (FAT atypical cadherin 4; plus strand). Cytogenetic location: 4q28.1.
Variant type: single nucleotide variant.
Coding change: c.6832A>T on transcript NM_001291303.3 (MANE Select); coding-DNA position 6832, A replaced by T.
Protein change: p.Thr2278Ser; replaces threonine 2278 with serine.
Molecular consequence: missense variant.
Genome position (GRCh38, 1-based): chr4:125,415,795, A>T. VCF-style: chr4-125415795-A-T. GRCh37 (hg19) VCF-style: chr4-126336950-A-T.
Other names: c.6832A>T, p.Thr2278Ser (NM_001291285.3, NM_024582.6); short protein forms T2278S.
Identifiers: ClinVar variation 1349376 (VCV001349376.8), dbSNP rs775172064, ClinGen allele CA358130628.